The following is an entry in ClinVar:

ClinVar aggregate classification (germline): Uncertain significance. Review status: criteria provided, multiple submitters, no conflicts (2 of 4 stars). 3 submissions from 3 submitters: Uncertain significance (3). Last evaluated 2025-11-25.

Conditions:
Hereditary cancer-predisposing syndrome. Also called: Neoplastic Syndromes, Hereditary; Tumor predisposition; Hereditary Cancer Syndrome; Hereditary neoplastic syndrome. Identifiers: Orphanet 140162, MedGen C0027672, MeSH D009386, MONDO:0015356.
Familial adenomatous polyposis 1 (FAP1). Also called: FAMILIAL ADENOMATOUS POLYPOSIS 1, ATTENUATED; POLYPOSIS, ADENOMATOUS INTESTINAL. Identifiers: MedGen C2713442, MONDO:0021056, OMIM 175100. Disease mechanism: loss of function.

Submissions (3):

Ambry Genetics
Classification: Uncertain significance for Hereditary cancer-predisposing syndrome. Last evaluated: 2025-11-25. Review status: criteria provided, single submitter. Criteria: Ambry Variant Classification Scheme 2023. Collection method: clinical testing. Allele origin: germline.
Comment: The p.K782M variant (also known as c.2345A>T), located in coding exon 15 of the APC gene, results from an A to T substitution at nucleotide position 2345. The lysine at codon 782 is replaced by methionine, an amino acid with similar properties. This amino acid position is highly conserved in available vertebrate species. In addition, in silico predictors for this gene do not accurately predict pathogenicity. Missense variants in APC are not a common cause of disease (Spier I et al. Genet Med. 2024 Feb;26(2):100992). Based on the available evidence, the clinical significance of this variant remains unclear.

Labcorp Genetics (formerly Invitae), Labcorp
Classification: Uncertain significance for Familial adenomatous polyposis 1. Last evaluated: 2025-07-31. Review status: criteria provided, single submitter. Criteria: Invitae Variant Classification Sherloc (09022015). Collection method: clinical testing. Allele origin: germline.
Comment: This sequence change replaces lysine, which is basic and polar, with methionine, which is neutral and non-polar, at codon 782 of the APC protein (p.Lys782Met). This variant is not present in population databases (gnomAD no frequency). This variant has not been reported in the literature in individuals affected with APC-related conditions. ClinVar contains an entry for this variant (Variation ID: 482330). Invitae Evidence Modeling of protein sequence and biophysical properties (such as structural, functional, and spatial information, amino acid conservation, physicochemical variation, residue mobility, and thermodynamic stability) indicates that this missense variant is not expected to disrupt APC protein function with a negative predictive value of 95%. In summary, the available evidence is currently insufficient to determine the role of this variant in disease. Therefore, it has been classified as a Variant of Uncertain Significance.

Baylor Genetics
Classification: Uncertain significance for Familial adenomatous polyposis 1. Last evaluated: 2023-08-11. Review status: criteria provided, single submitter. Criteria: ACMG Guidelines, 2015. Collection method: clinical testing. Allele origin: unknown.

NM_000038.6(APC):c.2345A>T (p.Lys782Met)

Gene: APC (APC regulator of Wnt signaling pathway; plus strand). Cytogenetic location: 5q22.2.
Variant type: single nucleotide variant.
Coding change: c.2345A>T on transcript NM_000038.6 (MANE Select); coding-DNA position 2345, A replaced by T.
Protein change: p.Lys782Met; replaces lysine 782 with methionine.
Molecular consequence: missense variant.
Genome position (GRCh38, 1-based): chr5:112,837,939, A>T. VCF-style: chr5-112837939-A-T. GRCh37 (hg19) VCF-style: chr5-112173636-A-T.
Other names: c.2345A>T, p.Lys782Met (NM_001127510.3, NM_001354895.2); c.2291A>T, p.Lys764Met (NM_001127511.3); c.2399A>T, p.Lys800Met (NM_001354896.2); c.2375A>T, p.Lys792Met (NM_001354897.2); c.2270A>T, p.Lys757Met (NM_001354898.2); c.2261A>T, p.Lys754Met (NM_001354899.2); c.2222A>T, p.Lys741Met (NM_001354900.2); c.2168A>T, p.Lys723Met (NM_001354901.2); and 5 more; short protein forms K764M, K782M, K681M, K691M, K757M, K499M, K622M, K741M.
Identifiers: ClinVar variation 482330 (VCV000482330.18), dbSNP rs1554084082, ClinGen allele CA16026481.